The following is an entry in ClinVar:

NM_030912.3(TRIM8):c.1318G>T (p.Val440Leu)

Gene: TRIM8 (tripartite motif containing 8; plus strand). Cytogenetic location: 10q24.32.
Variant type: single nucleotide variant.
Coding change: c.1318G>T on transcript NM_030912.3 (MANE Select); coding-DNA position 1318, G replaced by T.
Protein change: p.Val440Leu; replaces valine 440 with leucine.
Molecular consequence: missense variant. On other transcripts: non-coding transcript variant (1).
Genome position (GRCh38, 1-based): chr10:102,657,016, G>T. VCF-style: chr10-102657016-G-T. GRCh37 (hg19) VCF-style: chr10-104416773-G-T.
Other names: c.1222G>T, p.Val408Leu (NM_001345950.1); short protein forms V408L, V440L.
Identifiers: ClinVar variation 4811463 (VCV004811463.1).

ClinVar aggregate classification (germline): Uncertain significance (1 of 4 stars; one submission).

Submission:

Labcorp Genetics (formerly Invitae), Labcorp
Classification: Uncertain significance. Last evaluated: 2025-10-06. Review status: criteria provided, single submitter. Criteria: Invitae Variant Classification Sherloc (09022015). Collection method: clinical testing. Allele origin: germline.
Comment: This sequence change replaces valine, which is neutral and non-polar, with leucine, which is neutral and non-polar, at codon 440 of the TRIM8 protein (p.Val440Leu). This variant is not present in population databases (gnomAD no frequency). This variant has not been reported in the literature in individuals affected with TRIM8-related conditions. An algorithm developed to predict the effect of missense changes on protein structure and function (PolyPhen-2) suggests that this variant is likely to be tolerated. In summary, the available evidence is currently insufficient to determine the role of this variant in disease. Therefore, it has been classified as a Variant of Uncertain Significance.